The following is an entry in ClinVar:

ClinVar aggregate classification (germline): Uncertain significance. Review status: criteria provided, multiple submitters, no conflicts (2 of 4 stars). 2 submissions from 2 submitters: Uncertain significance (2). Last evaluated 2025-07-03.

Submissions (2):

Ambry Genetics
Classification: Uncertain significance. Last evaluated: 2025-07-03. Review status: criteria provided, single submitter. Criteria: Ambry Variant Classification Scheme 2023. Collection method: clinical testing. Allele origin: germline.

Labcorp Genetics (formerly Invitae), Labcorp
Classification: Uncertain significance. Last evaluated: 2024-06-22. Review status: criteria provided, single submitter. Criteria: Invitae Variant Classification Sherloc (09022015). Collection method: clinical testing. Allele origin: germline.
Comment: This sequence change replaces arginine, which is basic and polar, with histidine, which is basic and polar, at codon 122 of the LIG1 protein (p.Arg122His). This variant is present in population databases (rs368094694, gnomAD 0.002%). This variant has not been reported in the literature in individuals affected with LIG1-related conditions. An algorithm developed to predict the effect of missense changes on protein structure and function (PolyPhen-2) suggests that this variant is likely to be disruptive. In summary, the available evidence is currently insufficient to determine the role of this variant in disease. Therefore, it has been classified as a Variant of Uncertain Significance.

NM_000234.3(LIG1):c.365G>A (p.Arg122His)

Gene: LIG1 (DNA ligase 1; minus strand). Cytogenetic location: 19q13.33.
Variant type: single nucleotide variant.
Coding change: c.365G>A on transcript NM_000234.3 (MANE Select); coding-DNA position 365, G replaced by A.
Protein change: p.Arg122His; replaces arginine 122 with histidine.
Molecular consequence: missense variant. On other transcripts: non-coding transcript variant (6).
Genome position (GRCh38, 1-based): chr19:48,157,019, C>T on the plus strand (G>A on the coding strand, the complement: LIG1 is on the minus strand). VCF-style: chr19-48157019-C-T. GRCh37 (hg19) VCF-style: chr19-48660276-C-T.
Other names: c.275G>A, p.Arg92His (NM_001289063.2, NM_001320971.2); c.365G>A, p.Arg122His (NM_001289064.2, NM_001320970.2); short protein forms R92H, R122H.
Identifiers: ClinVar variation 3715396 (VCV003715396.3).
Genomic context (GRCh38, chr19:48,157,019, plus strand): 5'-AAAAGAGAAAAAGAAAGGCAGGCGACTGAAGGGGCAGGGGCCCGTGTGTTCTCACCTGTG[C>T]GACGCTTCGGAATCCCTGATGGGGAACTGTCCATGGGAGAGGTGTCAGAGAGGGAAGCAT-3'
Protein context (NP_000225.1, residues 112-132): DSSPSGIPKR[Arg122His]TARKQLPKRT